The following is an entry in ClinVar:

ClinVar aggregate classification (germline): Uncertain significance. Review status: criteria provided, multiple submitters, no conflicts (2 of 4 stars). 2 submissions from 2 submitters: Uncertain significance (2). Last evaluated 2025-10-02.

Conditions:
Hereditary spastic paraplegia 54. Also called: Spastic paraplegia 54, autosomal recessive. Identifiers: Orphanet 320380, MedGen C3539495, MONDO:0014018, OMIM 615033.
Inborn genetic diseases. Identifiers: MedGen C0950123, MeSH D030342.

Allele frequency attached by ClinVar (database versions not stated): TOPMed 0.00003; gnomAD 0.00002.
gnomAD v4.1: 21 of 1,613,944 alleles (0.0013%); highest among the groups gnomAD compares: Admixed American, 0.0083%; no homozygotes.

Submissions (2):

Ambry Genetics
Classification: Uncertain significance for Inborn genetic diseases. Last evaluated: 2025-10-02. Review status: criteria provided, single submitter. Criteria: Ambry Variant Classification Scheme 2023. Collection method: clinical testing. Allele origin: germline.

Labcorp Genetics (formerly Invitae), Labcorp
Classification: Uncertain significance for Hereditary spastic paraplegia 54. Last evaluated: 2022-07-30. Review status: criteria provided, single submitter. Criteria: Invitae Variant Classification Sherloc (09022015). Collection method: clinical testing. Allele origin: germline.
Comment: This sequence change replaces arginine, which is basic and polar, with glutamine, which is neutral and polar, at codon 516 of the DDHD2 protein (p.Arg516Gln). This variant is present in population databases (no rsID available, gnomAD 0.01%). This variant has not been reported in the literature in individuals affected with DDHD2-related conditions. ClinVar contains an entry for this variant (Variation ID: 860257). Algorithms developed to predict the effect of missense changes on protein structure and function are either unavailable or do not agree on the potential impact of this missense change (SIFT: "Tolerated"; PolyPhen-2: "Probably Damaging"; Align-GVGD: "Class C0"). In summary, the available evidence is currently insufficient to determine the role of this variant in disease. Therefore, it has been classified as a Variant of Uncertain Significance.

NM_015214.3(DDHD2):c.1547G>A (p.Arg516Gln)

Gene: DDHD2 (DDHD domain containing 2; plus strand). Cytogenetic location: 8p11.23.
Variant type: single nucleotide variant.
Coding change: c.1547G>A on transcript NM_015214.3 (MANE Select); coding-DNA position 1547, G replaced by A.
Protein change: p.Arg516Gln; replaces arginine 516 with glutamine.
Molecular consequence: missense variant. On other transcripts: non-coding transcript variant (2).
Genome position (GRCh38, 1-based): chr8:38,252,217, G>A. VCF-style: chr8-38252217-G-A. GRCh37 (hg19) VCF-style: chr8-38109735-G-A.
Other names: c.1547G>A, p.Arg516Gln (NM_001164232.2, NM_001362911.2, NM_001362912.2 and 1 more transcripts); c.1457G>A, p.Arg486Gln (NM_001362913.2); short protein forms R516Q, R486Q.
Identifiers: ClinVar variation 860257 (VCV000860257.5), dbSNP rs1475417610, ClinGen allele CA370692488.
Genomic context (GRCh38, chr8:38,252,217, plus strand): 5'-TCTATAAACCAGAGATATTCTTTGCCTTTGGATCTCCCATTGGAATGTTCCTTACTGTCC[G>A]AGGACTAAAAAGAATTGATCCCAACTACAGATTTCCAACGTGCAAAGGTTTCTTCAATAT-3'
Protein context (NP_056029.2, residues 506-526): GSPIGMFLTV[Arg516Gln]GLKRIDPNYR